The following is an entry in ClinVar:

NM_002617.4(PEX10):c.8del (p.Pro3fs)

Gene: PEX10 (peroxisomal biogenesis factor 10; minus strand). Cytogenetic location: 1p36.32.
Variant type: Deletion.
Coding change: c.8del on transcript NM_002617.4 (MANE Select); coding-DNA position 8, one base deleted (C; older notation c.8delC).
Protein change: p.Pro3fs; shifts the reading frame from proline 3.
Molecular consequence: frameshift variant. On other transcripts: intron variant (2).
Genome position (GRCh38, 1-based): chr1:2,412,495, G deleted on the plus strand (C on the coding strand, the reverse complement: PEX10 is on the minus strand); the first of 4 consecutive G bases (chr1:2,412,495-2,412,498); deleting any one gives the same sequence. VCF-style (leftmost placement, unchanged base first): chr1-2412494-CG-C. GRCh37 (hg19) VCF-style: chr1-2343933-CG-C.
Other names: c.8del, p.Pro3fs (NM_001374425.1, NM_153818.2); c.-321+1102del (NM_001374427.1, NM_001374426.1); short protein forms P3fs.
Identifiers: ClinVar variation 2677655 (VCV002677655.4), dbSNP rs1257198952, ClinGen allele CA520680067.

ClinVar aggregate classification (germline): Pathogenic/Likely pathogenic. Review status: criteria provided, multiple submitters, no conflicts (2 of 4 stars). 2 submissions from 2 submitters: Pathogenic (1); Likely pathogenic (1). Last evaluated 2023-08-08.

Conditions:
Peroxisome biogenesis disorder, complementation group 7 (CG7). Also called: Peroxisome biogenesis disorder, complementation group B. Identifiers: MedGen C1864399.
Peroxisome biogenesis disorder 6A (Zellweger). Also called: Peroxisome biogenesis disorder 6A. Identifiers: Orphanet 912, MedGen C3553947, MONDO:0013936, OMIM 614870.

Submissions (2):

Labcorp Genetics (formerly Invitae), Labcorp
Classification: Pathogenic for Peroxisome biogenesis disorder, complementation group 7. Last evaluated: 2023-08-08. Review status: criteria provided, single submitter. Criteria: Invitae Variant Classification Sherloc (09022015). Collection method: clinical testing. Allele origin: germline.
Comment: This sequence change creates a premature translational stop signal (p.Pro3Argfs*9) in the PEX10 gene. It is expected to result in an absent or disrupted protein product. Loss-of-function variants in PEX10 are known to be pathogenic (PMID: 9683594, 10862081, 21031596). For these reasons, this variant has been classified as Pathogenic. This variant has not been reported in the literature in individuals affected with PEX10-related conditions. The frequency data for this variant in the population databases is considered unreliable, as metrics indicate poor data quality at this position in the gnomAD database.

Baylor Genetics
Classification: Likely pathogenic for Peroxisome biogenesis disorder 6A (Zellweger). Last evaluated: 2023-01-28. Review status: criteria provided, single submitter. Criteria: ACMG Guidelines, 2015. Collection method: clinical testing. Allele origin: unknown.

Literature cited by the submitters: PubMed 9683594 (cited by Labcorp Genetics (formerly Invitae), Labcorp); PubMed 10862081 (cited by Labcorp Genetics (formerly Invitae), Labcorp); PubMed 21031596 (cited by Labcorp Genetics (formerly Invitae), Labcorp).